The following is an entry in ClinVar:

ClinVar aggregate classification (germline): Uncertain significance (1 of 4 stars; one submission).

Submission:

GeneDx
Classification: Uncertain significance. Last evaluated: 2025-01-14. Review status: criteria provided, single submitter. Criteria: GeneDx Variant Classification Process June 2021. Collection method: clinical testing. Allele origin: germline. Affected: yes.
Comment: Not observed at significant frequency in large population cohorts (gnomAD); In silico analysis supports that this missense variant has a deleterious effect on protein structure/function; Has not been previously published as pathogenic or benign to our knowledge

NM_002235.5(KCNA6):c.575G>A (p.Cys192Tyr)

Genes: KCNA6 (potassium voltage-gated channel subfamily A member 6; plus strand), KCNA6-AS1 (KCNA6 antisense RNA 1; minus strand). Cytogenetic location: 12p13.32.
Variant type: single nucleotide variant.
Coding change: c.575G>A on transcript NM_002235.5 (MANE Select); coding-DNA position 575, G replaced by A.
Protein change: p.Cys192Tyr; replaces cysteine 192 with tyrosine.
Molecular consequence: missense variant. On other transcripts: non-coding transcript variant (3).
Genome position (GRCh38, 1-based): chr12:4,810,616, G>A. VCF-style: chr12-4810616-G-A. GRCh37 (hg19) VCF-style: chr12-4919782-G-A.
Other names: short protein forms C192Y.
Identifiers: ClinVar variation 4070639 (VCV004070639.1).
Genomic context (GRCh38, chr12:4,810,616, plus strand): 5'-CGGCCAGGGGCATCGCCATCGTCTCCGTGTTGGTCATTCTCATCTCCATAGTCATCTTTT[G>A]CCTGGAGACCTTACCCCAGTTCCGTGTAGATGGTCGAGGTGGAAACAATGGTGGTGTGAG-3'
Protein context (NP_002226.1, residues 182-202): LVILISIVIF[Cys192Tyr]LETLPQFRVD